The following is an entry in ClinVar:

ClinVar aggregate classification (germline): Uncertain significance (1 of 4 stars; one submission).

Conditions:
Combined oxidative phosphorylation defect type 14. Also called: Combined oxidative phosphorylation deficiency 14. Identifiers: Orphanet 319519, MedGen C4755312, MONDO:0013986, OMIM 614946.

Allele frequency attached by ClinVar (database versions not stated): TOPMed below 0.00001.

Submission:

Labcorp Genetics (formerly Invitae), Labcorp
Classification: Uncertain significance for Combined oxidative phosphorylation defect type 14. Last evaluated: 2021-06-28. Review status: criteria provided, single submitter. Criteria: Invitae Variant Classification Sherloc (09022015). Collection method: clinical testing. Allele origin: germline.
Comment: This sequence change replaces serine with glycine at codon 128 of the FARS2 protein (p.Ser128Gly). The serine residue is moderately conserved and there is a small physicochemical difference between serine and glycine. This variant is not present in population databases (ExAC no frequency). This variant has not been reported in the literature in individuals affected with FARS2-related conditions. Advanced modeling of protein sequence and biophysical properties (such as structural, functional, and spatial information, amino acid conservation, physicochemical variation, residue mobility, and thermodynamic stability) performed at Invitae indicates that this missense variant is expected to disrupt FARS2 protein function. In summary, the available evidence is currently insufficient to determine the role of this variant in disease. Therefore, it has been classified as a Variant of Uncertain Significance.

NM_006567.5(FARS2):c.382A>G (p.Ser128Gly)

Genes: FARS2 (phenylalanyl-tRNA synthetase 2, mitochondrial; plus strand), LOC126859565 (CDK7 strongly-dependent group 2 enhancer GRCh37_chr6:5368745-5369944; plus strand). Cytogenetic location: 6p25.1.
Variant type: single nucleotide variant.
Coding change: c.382A>G on transcript NM_006567.5 (MANE Select); coding-DNA position 382, A replaced by G.
Protein change: p.Ser128Gly; replaces serine 128 with glycine.
Molecular consequence: missense variant. On other transcripts: intron variant (2).
Genome position (GRCh38, 1-based): chr6:5,368,952, A>G. VCF-style: chr6-5368952-A-G. GRCh37 (hg19) VCF-style: chr6-5369185-A-G.
Other names: c.382A>G, p.Ser128Gly (NM_001318872.2, NM_001374875.1, NM_001374876.1 and 5 more transcripts); c.-340-27681A>G (NM_001375260.1); c.-84-35590A>G (NM_001375259.1); short protein forms S128G.
Identifiers: ClinVar variation 1435832 (VCV001435832.8), dbSNP rs1758856343, ClinGen allele CA362735167.